The following is an entry in ClinVar:

NM_001126108.2(SLC12A3):c.502_505+3delinsT

Gene: SLC12A3 (solute carrier family 12 member 3; plus strand). Cytogenetic location: 16q13.
Variant type: Indel.
Coding change: c.502_505+3delinsT on transcript NM_001126108.2 (MANE Select); coding-DNA position 502 through 3 bases into the intron after coding-DNA position 505, ATCGGTG replaced by T.
Molecular consequence: splice donor variant.
Genome position (GRCh38, 1-based): chr16:56,868,369-56,868,375, ATCGGTG replaced by T. VCF-style: chr16-56868369-ATCGGTG-T. GRCh37 (hg19) VCF-style: chr16-56902281-ATCGGTG-T.
Other names: c.502_505+3delinsT (NM_000339.2, NM_000339.3); c.499_502+3delinsT (NM_001126107.2, NM_001410896.1).
Identifiers: ClinVar variation 2873864 (VCV002873864.5), dbSNP rs2543476172, ClinGen allele CA2739266782.

ClinVar aggregate classification (germline): Likely pathogenic. Review status: criteria provided, multiple submitters, no conflicts (2 of 4 stars). 2 submissions from 2 submitters: Likely pathogenic (2). Last evaluated 2025-02-14.

Conditions:
Familial hypokalemia-hypomagnesemia (GTLMNS). Also called: HYPOMAGNESEMIA-HYPOKALEMIA, PRIMARY RENOTUBULAR, WITH HYPOCALCIURIA; POTASSIUM AND MAGNESIUM DEPLETION; gitelman syndrome. Identifiers: Orphanet 358, MedGen C0268450, MONDO:0009904, OMIM 263800.

Submissions (2):

Natera, Inc.
Classification: Likely pathogenic for Gitelman syndrome. Last evaluated: 2025-02-14. Review status: criteria provided, single submitter. Criteria: Natera Variant Classification Schema (03/2026). Collection method: clinical testing. Allele origin: germline.
Comment: The c.502_505+3delinsT variant in SLC12A3 is a deletion-insertion (delins) variant predicted to replace one or more nucleotides with a different sequence. This variant is expected to result in nonsense mediated decay, truncation, or a dysfunctional protein product. This variant is rare in the general population with a frequency below the threshold expected for the associated phenotype(s). Given the available evidence, this variant is classified as Likely Pathogenic.

Labcorp Genetics (formerly Invitae), Labcorp
Classification: Likely pathogenic. Last evaluated: 2021-11-13. Review status: criteria provided, single submitter. Criteria: Invitae Variant Classification Sherloc (09022015). Collection method: clinical testing. Allele origin: germline.
Comment: In summary, the currently available evidence indicates that the variant is pathogenic, but additional data are needed to prove that conclusively. Therefore, this variant has been classified as Likely Pathogenic. ClinVar contains an entry for this variant (Variation ID: 860732). This variant has not been reported in the literature in individuals affected with SLC12A3-related conditions. This variant is not present in population databases (gnomAD no frequency). This variant results in the deletion of part of exon 3 of the SLC12A3 gene. It is expected to disrupt RNA splicing. Variants that disrupt the donor or acceptor splice site typically lead to a loss of protein function (PMID: 16199547), and loss-of-function variants in SLC12A3 are known to be pathogenic (PMID: 20848653, 22009145, 25841442).

Literature cited by the submitters: PubMed 16199547 (cited by Labcorp Genetics (formerly Invitae), Labcorp); PubMed 20848653 (cited by Labcorp Genetics (formerly Invitae), Labcorp); PubMed 22009145 (cited by Labcorp Genetics (formerly Invitae), Labcorp); PubMed 25841442 (cited by Labcorp Genetics (formerly Invitae), Labcorp).